The following is an entry in ClinVar:

ClinVar aggregate classification (germline): Uncertain significance (1 of 4 stars; one submission).

Conditions:
Hereditary cancer-predisposing syndrome. Also called: Neoplastic Syndromes, Hereditary; Tumor predisposition; Hereditary neoplastic syndrome; Hereditary Cancer Syndrome. Identifiers: Orphanet 140162, MedGen C0027672, MeSH D009386, MONDO:0015356.

Submission:

Ambry Genetics
Classification: Uncertain significance for Hereditary cancer-predisposing syndrome. Last evaluated: 2026-07-06. Review status: criteria provided, single submitter. Criteria: Ambry Variant Classification Scheme 2023. Collection method: clinical testing. Allele origin: germline.
Comment: The p.D874G variant (also known as c.2621A>G), located in coding exon 16 of the CDH1 gene, results from an A to G substitution at nucleotide position 2621. The aspartic acid at codon 874 is replaced by glycine, an amino acid with similar properties. This amino acid position is conserved. In addition, the in silico prediction for this alteration is inconclusive. Based on the available evidence, the clinical significance of this variant remains unclear.

NM_004360.5(CDH1):c.2621A>G (p.Asp874Gly)

Gene: CDH1 (cadherin 1; plus strand). Cytogenetic location: 16q22.1.
Variant type: single nucleotide variant.
Coding change: c.2621A>G on transcript NM_004360.5 (MANE Select); coding-DNA position 2621, A replaced by G.
Protein change: p.Asp874Gly; replaces aspartic acid 874 with glycine.
Molecular consequence: missense variant.
Genome position (GRCh38, 1-based): chr16:68,833,471, A>G. VCF-style: chr16-68833471-A-G. GRCh37 (hg19) VCF-style: chr16-68867374-A-G.
Other names: c.2438A>G, p.Asp813Gly (NM_001317184.2); c.1073A>G, p.Asp358Gly (NM_001317185.2); c.656A>G, p.Asp219Gly (NM_001317186.2); short protein forms D219G, D358G, D813G, D874G.
Identifiers: ClinVar variation 5033906 (VCV005033906.1).